The following is an entry in ClinVar:

ClinVar aggregate classification (germline): Uncertain significance (1 of 4 stars; one submission).

Conditions:
Noonan syndrome 9 (NS9). Identifiers: Orphanet 648, MedGen C4225282, MONDO:0014691, OMIM 616559.

Submission:

Labcorp Genetics (formerly Invitae), Labcorp
Classification: Uncertain significance for Noonan syndrome 9. Last evaluated: 2022-07-06. Review status: criteria provided, single submitter. Criteria: Invitae Variant Classification Sherloc (09022015). Collection method: clinical testing. Allele origin: germline.
Comment: This sequence change replaces serine, which is neutral and polar, with arginine, which is basic and polar, at codon 192 of the SOS2 protein (p.Ser192Arg). In summary, the available evidence is currently insufficient to determine the role of this variant in disease. Therefore, it has been classified as a Variant of Uncertain Significance. Advanced modeling of protein sequence and biophysical properties (such as structural, functional, and spatial information, amino acid conservation, physicochemical variation, residue mobility, and thermodynamic stability) performed at Invitae indicates that this missense variant is not expected to disrupt SOS2 protein function. ClinVar contains an entry for this variant (Variation ID: 1480438). This variant has not been reported in the literature in individuals affected with SOS2-related conditions. This variant is not present in population databases (gnomAD no frequency).

NM_006939.4(SOS2):c.574A>C (p.Ser192Arg)

Gene: SOS2 (SOS Ras/Rho guanine nucleotide exchange factor 2; minus strand). Cytogenetic location: 14q21.3.
Variant type: single nucleotide variant.
Coding change: c.574A>C on transcript NM_006939.4 (MANE Select); coding-DNA position 574, A replaced by C.
Protein change: p.Ser192Arg; replaces serine 192 with arginine.
Molecular consequence: missense variant.
Genome position (GRCh38, 1-based): chr14:50,188,637, T>G on the plus strand (A>C on the coding strand, the complement: SOS2 is on the minus strand). VCF-style: chr14-50188637-T-G. GRCh37 (hg19) VCF-style: chr14-50655355-T-G.
Other names: short protein forms S192R.
Identifiers: ClinVar variation 1480438 (VCV001480438.6), dbSNP rs1886005265, ClinGen allele CA389648236.